The following is an entry in ClinVar:

NM_000503.6(EYA1):c.1635del (p.Phe545fs)

Gene: EYA1 (EYA transcriptional coactivator and phosphatase 1; minus strand). Cytogenetic location: 8q13.3.
Variant type: Deletion.
Coding change: c.1635del on transcript NM_000503.6 (MANE Select); coding-DNA position 1635, one base deleted (T; older notation c.1635delT).
Protein change: p.Phe545fs; shifts the reading frame from phenylalanine 545.
Molecular consequence: frameshift variant.
Genome position (GRCh38, 1-based): chr8:71,211,219, A deleted on the plus strand (T on the coding strand, the reverse complement: EYA1 is on the minus strand); the first of 3 consecutive A bases (chr8:71,211,219-71,211,221); deleting any one gives the same sequence. VCF-style (leftmost placement, unchanged base first): chr8-71211218-CA-C. GRCh37 (hg19) VCF-style: chr8-72123453-CA-C.
Other names: c.1617del, p.Phe539fs (NM_001288574.2, NM_172059.5); c.1269del, p.Phe423fs (NM_001288575.2); c.1722del, p.Phe574fs (NM_001370333.1); c.1635del, p.Phe545fs (NM_001370334.1, NM_001370335.1, NM_172058.4); c.1614del, p.Phe538fs (NM_001370336.1); short protein forms F574fs, F423fs, F539fs, F538fs, F545fs.
Identifiers: ClinVar variation 945460 (VCV000945460.9), dbSNP rs1808464696, ClinGen allele CA1139660595.

ClinVar aggregate classification (germline): Pathogenic (1 of 4 stars; one submission).

Conditions:
Melnick-Fraser syndrome (BOR). Also called: Branchiootorenal syndrome; Branchiootorenal Syndrome (BORS); Branchio-oto-renal syndrome. Identifiers: Orphanet 107, MedGen C0265234, MONDO:0007029.

Submission:

Labcorp Genetics (formerly Invitae), Labcorp
Classification: Pathogenic for Melnick-Fraser syndrome. Last evaluated: 2019-06-17. Review status: criteria provided, single submitter. Criteria: Invitae Variant Classification Sherloc (09022015). Collection method: clinical testing. Allele origin: germline.
Comment: This variant has not been reported in the literature in individuals with EYA1-related conditions. This variant is not present in population databases (ExAC no frequency). This sequence change results in a premature translational stop signal in the EYA1 gene (p.Phe545Leufs*10). While this is not anticipated to result in nonsense mediated decay, it is expected to disrupt the last 48 amino acids of the EYA1 protein. This variant disrupts the C-terminus of the EYA1 protein. Other variant(s) that disrupt this region (p.Gln562*) have been determined to be pathogenic (Invitae). This suggests that variants that disrupt this region of the protein are likely to be causative of disease. For these reasons, this variant has been classified as Pathogenic.